The following is an entry in ClinVar:

ClinVar aggregate classification (germline): Conflicting classifications of pathogenicity. Review status: criteria provided, conflicting classifications (1 of 4 stars). 4 submissions from 4 submitters: Uncertain significance (3); Likely benign (1). Last evaluated 2025-12-16.

Conditions:
Perlman syndrome (PRLMNS). Identifiers: Orphanet 2849, MedGen C0796113, MONDO:0009965, OMIM 267000.

Allele frequency attached by ClinVar (database versions not stated): gnomAD 0.00010 and 0.00016; TOPMed 0.00007; ExAC 0.00008; gnomAD exomes 0.00010.
gnomAD v4.1: 177 of 1,611,972 alleles (0.011%); highest among the groups gnomAD compares: Non-Finnish European, 0.014%; no homozygotes.

Submissions (4):

Dasa
Classification: Likely benign. Last evaluated: 2025-12-16. Review status: criteria provided, single submitter. Criteria: DASA Assertion Criteria. Collection method: clinical testing. Allele origin: germline.
Comment: NM_152383.5(DIS3L2):c.1994G>A (p.Cys665Tyr) is a missense variant that results in the substitution of cysteine with tyrosine. The variant context is inconsistent with a known disease-causing mechanism. Computational prediction algorithms are consistent with a benign effect. Therefore, based on the currently available evidence, this variant is classified as likely benign.

Labcorp Genetics (formerly Invitae), Labcorp
Classification: Uncertain significance for Perlman syndrome. Last evaluated: 2025-06-02. Review status: criteria provided, single submitter. Criteria: Invitae Variant Classification Sherloc (09022015). Collection method: clinical testing. Allele origin: germline.
Comment: This sequence change replaces cysteine, which is neutral and slightly polar, with tyrosine, which is neutral and polar, at codon 665 of the DIS3L2 protein (p.Cys665Tyr). This variant is present in population databases (rs778990530, gnomAD 0.02%). This variant has not been reported in the literature in individuals affected with DIS3L2-related conditions. ClinVar contains an entry for this variant (Variation ID: 410763). Invitae Evidence Modeling of protein sequence and biophysical properties (such as structural, functional, and spatial information, amino acid conservation, physicochemical variation, residue mobility, and thermodynamic stability) indicates that this missense variant is not expected to disrupt DIS3L2 protein function with a negative predictive value of 80%. In summary, the available evidence is currently insufficient to determine the role of this variant in disease. Therefore, it has been classified as a Variant of Uncertain Significance.

St. Jude Molecular Pathology, St. Jude Children's Research Hospital
Classification: Uncertain significance for Perlman syndrome. Last evaluated: 2025-02-05. Review status: criteria provided, single submitter. Criteria: St. Jude Assertion Criteria 2020. Collection method: clinical testing. Allele origin: germline.
Comment: The DIS3L2 c.1994G>A (p.Cys665Tyr) missense change has a maximum subpopulation frequency of 0.02% in gnomAD v2.1.1. The in silico tool REVEL predicts a benign effect on protein function, but to our knowledge these predictions have not been confirmed by functional studies. To our knowledge, this variant has not been reported in individuals with Perlman syndrome. In summary, the evidence currently available is insufficient to determine the clinical significance of this variant. It has therefore been classified as of uncertain significance.

Baylor Genetics
Classification: Uncertain significance for Perlman syndrome. Last evaluated: 2020-08-30. Review status: criteria provided, single submitter. Criteria: ACMG Guidelines, 2015. Collection method: clinical testing. Allele origin: unknown. Affected: yes. Study: CSER-TexasKidsCanSeq.
Comment: This variant was determined to be of uncertain significance according to ACMG Guidelines, 2015 [PMID:25741868].

NM_152383.5(DIS3L2):c.1994G>A (p.Cys665Tyr)

Gene: DIS3L2 (DIS3 like 3'-5' exoribonuclease 2; plus strand). Cytogenetic location: 2q37.1.
Variant type: single nucleotide variant.
Coding change: c.1994G>A on transcript NM_152383.5 (MANE Select); coding-DNA position 1994, G replaced by A.
Protein change: p.Cys665Tyr; replaces cysteine 665 with tyrosine.
Molecular consequence: missense variant. On other transcripts: non-coding transcript variant (2), intron variant (1).
Genome position (GRCh38, 1-based): chr2:232,330,760, G>A. VCF-style: chr2-232330760-G-A. GRCh37 (hg19) VCF-style: chr2-233195470-G-A.
Other names: c.1582-12585G>A (NM_001257281.2); short protein forms C665Y.
Identifiers: ClinVar variation 410763 (VCV000410763.14), dbSNP rs778990530, ClinGen allele CA2164344.